The following is an entry in ClinVar:

NM_001040108.2(MLH3):c.422G>A (p.Ser141Asn)

Gene: MLH3 (mutL homolog 3; minus strand). Cytogenetic location: 14q24.3.
Variant type: single nucleotide variant.
Coding change: c.422G>A on transcript NM_001040108.2 (MANE Select); coding-DNA position 422, G replaced by A.
Protein change: p.Ser141Asn; replaces serine 141 with asparagine.
Molecular consequence: missense variant.
Genome position (GRCh38, 1-based): chr14:75,049,234, C>T on the plus strand (G>A on the coding strand, the complement: MLH3 is on the minus strand). VCF-style: chr14-75049234-C-T. GRCh37 (hg19) VCF-style: chr14-75515937-C-T.
Other names: c.422G>A, p.Ser141Asn (NM_014381.3); short protein forms S141N.
Identifiers: ClinVar variation 4055481 (VCV004055481.1).
Genomic context (GRCh38, chr14:75,049,234, plus strand): 5'-CATTTCCTCCTTACAGGAAGCTGGTAAAATAGGTTATACACTGTTACAGTAGTCCCAGCG[C>T]TTGCTCTAGTCACATCAGCTTCACAAGCTTTCAGGGCTTTTCCACTCTGAAACAGTTTCA-3'
Protein context (NP_001035197.1, residues 131-151): KACEADVTRA[Ser141Asn]AGTTVTVYNL

ClinVar aggregate classification (germline): Uncertain significance (1 of 4 stars; one submission).

Submission:

Ambry Genetics
Classification: Uncertain significance. Last evaluated: 2025-04-12. Review status: criteria provided, single submitter. Criteria: Ambry Variant Classification Scheme 2023. Collection method: clinical testing. Allele origin: germline.
Comment: The p.S141N variant (also known as c.422G>A), located in coding exon 1 of the MLH3 gene, results from a G to A substitution at nucleotide position 422. The serine at codon 141 is replaced by asparagine, an amino acid with highly similar properties. This amino acid position is conserved. In addition, this alteration is predicted to be tolerated by in silico analysis. Based on the available evidence, the clinical significance of this variant remains unclear.